The following is an entry in ClinVar:

NM_004415.4(DSP):c.517A>T (p.Thr173Ser)

Gene: DSP (desmoplakin; plus strand). Cytogenetic location: 6p24.3.
Variant type: single nucleotide variant.
Coding change: c.517A>T on transcript NM_004415.4 (MANE Select); coding-DNA position 517, A replaced by T.
Protein change: p.Thr173Ser; replaces threonine 173 with serine.
Molecular consequence: missense variant.
Genome position (GRCh38, 1-based): chr6:7,559,320, A>T. VCF-style: chr6-7559320-A-T. GRCh37 (hg19) VCF-style: chr6-7559553-A-T.
Other names: c.517A>T (NM_004415.3, LRG_423t1); c.517A>T, p.Thr173Ser (NM_001008844.3, NM_001319034.2); short protein forms T173S.
Identifiers: ClinVar variation 664078 (VCV000664078.55), dbSNP rs1372912970, ClinGen allele CA362672513.

ClinVar aggregate classification (germline): Uncertain significance. Review status: criteria provided, multiple submitters, no conflicts (2 of 4 stars). 5 submissions from 5 submitters: Uncertain significance (5). Last evaluated 2025-12-09.

Conditions:
Cardiovascular phenotype. Identifiers: MedGen CN230736.
Arrhythmogenic right ventricular dysplasia 8 (ARVD8). Also called: Arrhythmogenic Right Ventricular Dysplasia/Cardiomyopathy 8; ARRHYTHMOGENIC RIGHT VENTRICULAR DYSPLASIA, FAMILIAL, 8; ARRHYTHMOGENIC RIGHT VENTRICULAR CARDIOMYOPATHY 8. Identifiers: MedGen C1843896, MONDO:0011831, OMIM 607450.
Arrhythmogenic cardiomyopathy with wooly hair and keratoderma. Also called: PALMOPLANTAR KERATODERMA WITH LEFT VENTRICULAR CARDIOMYOPATHY AND WOOLLY HAIR; Carvajal syndrome; Dilated cardiomyopathy with woolly hair and keratoderma; Arrhythmogenic cardiomyopathy with woolly hair and keratoderma. Identifiers: Orphanet 65282, MedGen C1854063, MONDO:0011581, OMIM 605676.
Cardiomyopathy (CMYO). Also called: Cardiomyopathies. Identifiers: Orphanet 167848, MedGen C0878544, MONDO:0004994, HP:0001638. Inheritance: Various modes of inheritance.
DSP-related disorder. Also called: DSP-related disorders; DSP-related condition.

Allele frequency attached by ClinVar (database versions not stated): TOPMed 0.00001; gnomAD 0.00002.
gnomAD v4.1: 9 of 1,613,762 alleles (0.00056%); highest among the groups gnomAD compares: Non-Finnish European, 0.00076%; no homozygotes.

Submissions (5):

PreventionGenetics, part of Exact Sciences
Classification: Uncertain significance for DSP-related condition. Last evaluated: 2025-12-09. Review status: criteria provided, single submitter. Criteria: ACMG Guidelines, 2015. Collection method: clinical testing. Allele origin: germline.
Comment: The DSP c.517A>T variant is predicted to result in the amino acid substitution p.Thr173Ser. To our knowledge, this variant has not been reported in the literature. This variant is reported in 0.013% of alleles in individuals of European (Non-Finnish) descent in gnomAD. At this time, the clinical significance of this variant is uncertain due to the absence of conclusive functional and genetic evidence.

Ambry Genetics
Classification: Uncertain significance for Cardiovascular phenotype. Last evaluated: 2025-11-17. Review status: criteria provided, single submitter. Criteria: Ambry Variant Classification Scheme 2023. Collection method: clinical testing. Allele origin: germline.
Comment: The p.T173S variant (also known as c.517A>T), located in coding exon 4 of the DSP gene, results from an A to T substitution at nucleotide position 517. The threonine at codon 173 is replaced by serine, an amino acid with similar properties. This amino acid position is well conserved in available vertebrate species. In addition, this alteration is predicted to be tolerated by in silico analysis. Based on the available evidence, the clinical significance of this variant remains unclear.

Labcorp Genetics (formerly Invitae), Labcorp
Classification: Uncertain significance for Arrhythmogenic cardiomyopathy with wooly hair and keratoderma; Arrhythmogenic right ventricular dysplasia 8. Last evaluated: 2025-06-16. Review status: criteria provided, single submitter. Criteria: Invitae Variant Classification Sherloc (09022015). Collection method: clinical testing. Allele origin: germline.
Comment: This sequence change replaces threonine, which is neutral and polar, with serine, which is neutral and polar, at codon 173 of the DSP protein (p.Thr173Ser). This variant is present in population databases (no rsID available, gnomAD 0.01%). This variant has not been reported in the literature in individuals affected with DSP-related conditions. ClinVar contains an entry for this variant (Variation ID: 664078). An algorithm developed to predict the effect of missense changes on protein structure and function (PolyPhen-2) suggests that this variant is likely to be tolerated. In summary, the available evidence is currently insufficient to determine the role of this variant in disease. Therefore, it has been classified as a Variant of Uncertain Significance.

Color Diagnostics, LLC DBA Color Health
Classification: Uncertain significance for Cardiomyopathy. Last evaluated: 2024-03-06. Review status: criteria provided, single submitter. Criteria: ACMG Guidelines, 2015. Collection method: clinical testing. Allele origin: germline.
Comment: This missense variant replaces threonine with serine at codon 173 of the DSP protein. Computational prediction suggests that this variant may not impact protein structure and function (internally defined REVEL score threshold <= 0.5, PMID: 27666373). Splice site prediction tools suggest that this variant may not impact RNA splicing. To our knowledge, functional studies have not been performed for this variant. This variant has not been reported in individuals affected with cardiovascular disorders in the literature. This variant has been identified in 2/31396 chromosomes in the general population by the Genome Aggregation Database (gnomAD). The available evidence is insufficient to determine the role of this variant in disease conclusively. Therefore, this variant is classified as a Variant of Uncertain Significance.

CeGaT Center for Human Genetics Tuebingen
Classification: Uncertain significance. Last evaluated: 2019-05-01. Review status: criteria provided, single submitter. Criteria: CeGaT Center For Human Genetics Tuebingen Variant Classification Criteria Version 2. Collection method: clinical testing. Allele origin: germline. Affected: yes. Observed: 1 variant allele.